The following is an entry in ClinVar:

ClinVar aggregate classification (germline): Uncertain significance (1 of 4 stars; one submission).

Conditions:
GRN-related frontotemporal lobar degeneration with Tdp43 inclusions (FTD2). Also called: DEMENTIA, HEREDITARY DYSPHASIC DISINHIBITION; FRONTOTEMPORAL LOBAR DEGENERATION WITH UBIQUITIN-POSITIVE INCLUSIONS; FTLD-TDP, GRN-RELATED; GRN Frontotemporal Dementia; FRONTOTEMPORAL DEMENTIA WITH TDP43 INCLUSIONS, GRN-RELATED. Identifiers: Orphanet 100070, Orphanet 282, MedGen C1843792, MONDO:0011842, OMIM 607485. Disease mechanism: loss of function.
Neuronal ceroid lipofuscinosis 11. Also called: GRN-Related Neuronal Ceroid-Lipofuscinosis. Identifiers: Orphanet 314629, Orphanet 79262, MedGen C3539123, MONDO:0013866, OMIM 614706.

Allele frequency attached by ClinVar (database versions not stated): TOPMed below 0.00001.

Submission:

Labcorp Genetics (formerly Invitae), Labcorp
Classification: Uncertain significance for Neuronal ceroid lipofuscinosis 11; GRN-related frontotemporal lobar degeneration with Tdp43 inclusions. Last evaluated: 2022-08-24. Review status: criteria provided, single submitter. Criteria: Invitae Variant Classification Sherloc (09022015). Collection method: clinical testing. Allele origin: germline.
Comment: This sequence change replaces serine, which is neutral and polar, with arginine, which is basic and polar, at codon 353 of the GRN protein (p.Ser353Arg). This variant is not present in population databases (gnomAD no frequency). This variant has not been reported in the literature in individuals affected with GRN-related conditions. Algorithms developed to predict the effect of missense changes on protein structure and function output the following: SIFT: "Tolerated"; PolyPhen-2: "Benign"; Align-GVGD: "Class C0". The arginine amino acid residue is found in multiple mammalian species, which suggests that this missense change does not adversely affect protein function. In summary, the available evidence is currently insufficient to determine the role of this variant in disease. Therefore, it has been classified as a Variant of Uncertain Significance.

NM_002087.4(GRN):c.1059C>G (p.Ser353Arg)

Gene: GRN (granulin precursor; plus strand). Cytogenetic location: 17q21.31.
Variant type: single nucleotide variant.
Coding change: c.1059C>G on transcript NM_002087.4 (MANE Select); coding-DNA position 1059, C replaced by G.
Protein change: p.Ser353Arg; replaces serine 353 with arginine.
Molecular consequence: missense variant.
Genome position (GRCh38, 1-based): chr17:44,351,675, C>G. VCF-style: chr17-44351675-C-G. GRCh37 (hg19) VCF-style: chr17-42429043-C-G.
Other names: short protein forms S353R.
Identifiers: ClinVar variation 2193378 (VCV002193378.1), dbSNP rs1348717018, ClinGen allele CA399765600.